The following is an entry in ClinVar:

ClinVar aggregate classification (germline): Uncertain significance (1 of 4 stars; one submission).

Conditions:
Developmental and epileptic encephalopathy, 14 (DEE14). Also called: Early infantile epileptic encephalopathy 14. Identifiers: Orphanet 293181, MedGen C3554195, MONDO:0013989, OMIM 614959.
Autosomal dominant nocturnal frontal lobe epilepsy 5. Also called: KCNT1-Related Epilepsy; CILIARY DYSKINESIA, PRIMARY, 28, WITH SITUS INVERSUS; Epilepsy, nocturnal frontal lobe, 5; CILIARY DYSKINESIA, PRIMARY, 28, WITHOUT SITUS INVERSUS. Identifiers: Orphanet 98784, MedGen C3554306, MONDO:0014002, OMIM 615005.

Submission:

Labcorp Genetics (formerly Invitae), Labcorp
Classification: Uncertain significance for Autosomal dominant nocturnal frontal lobe epilepsy 5; Developmental and epileptic encephalopathy, 14. Last evaluated: 2022-01-11. Review status: criteria provided, single submitter. Criteria: Invitae Variant Classification Sherloc (09022015). Collection method: clinical testing. Allele origin: germline.
Comment: In summary, the available evidence is currently insufficient to determine the role of this variant in disease. Therefore, it has been classified as a Variant of Uncertain Significance. Advanced modeling of protein sequence and biophysical properties (such as structural, functional, and spatial information, amino acid conservation, physicochemical variation, residue mobility, and thermodynamic stability) performed at Invitae indicates that this missense variant is expected to disrupt KCNT1 protein function. This variant has not been reported in the literature in individuals affected with KCNT1-related conditions. This variant is not present in population databases (gnomAD no frequency). This sequence change replaces asparagine, which is neutral and polar, with aspartic acid, which is acidic and polar, at codon 816 of the KCNT1 protein (p.Asn816Asp).

NM_020822.3(KCNT1):c.2446A>G (p.Asn816Asp)

Gene: KCNT1 (potassium sodium-activated channel subfamily T member 1; plus strand). Cytogenetic location: 9q34.3.
Variant type: single nucleotide variant.
Coding change: c.2446A>G on transcript NM_020822.3 (MANE Select); coding-DNA position 2446, A replaced by G.
Protein change: p.Asn816Asp; replaces asparagine 816 with aspartic acid.
Molecular consequence: missense variant.
Genome position (GRCh38, 1-based): chr9:135,777,434, A>G. VCF-style: chr9-135777434-A-G. GRCh37 (hg19) VCF-style: chr9-138669280-A-G.
Other names: c.2311A>G, p.Asn771Asp (NM_001272003.2); short protein forms N816D, N771D.
Identifiers: ClinVar variation 1414956 (VCV001414956.6), dbSNP rs2131543767, ClinGen allele CA375513394.
Genomic context (GRCh38, chr9:135,777,434, plus strand): 5'-TACGGGTTCAAGAACAAGCTGATCATCGTCTCGGCAGAGACGGCCGGCAATGGGCTGTAC[A>G]ACTTCATCGTGCCACTGCGGGCCTACTACAGATCCCGCAAGGAGCTGAACCCCATCGTGC-3'
Protein context (NP_065873.2, residues 806-826): SAETAGNGLY[Asn816Asp]FIVPLRAYYR